The following is an entry in ClinVar:

ClinVar aggregate classification (germline): Uncertain significance. Review status: criteria provided, multiple submitters, no conflicts (2 of 4 stars). 4 submissions from 3 submitters: Uncertain significance (4). Last evaluated 2025-04-11.

Conditions:
Inborn genetic diseases. Identifiers: MedGen C0950123, MeSH D030342.
Junctional epidermolysis bullosa gravis of Herlitz. Also called: JEB-HERLITZ TYPE; EPIDERMOLYSIS BULLOSA JUNCTIONALIS, HERLITZ TYPE; EPIDERMOLYSIS BULLOSA, JUNCTIONAL, HERLITZ-PEARSON TYPE; Herlitz-type junctional epidermolysis bullosa; EPIDERMOLYSIS BULLOSA, JUNCTIONAL 1B, SEVERE; Epidermolysis Bullosa Letalis. Identifiers: Orphanet 79404, MedGen C0079683, MONDO:0009182, OMIM 226700.
Laryngo-onycho-cutaneous syndrome (JEB2C). Also called: LOGIC SYNDROME; EPIDERMOLYSIS BULLOSA, JUNCTIONAL 2C, LARYNGOONYCHOCUTANEOUS; SHABBIR SYNDROME. Identifiers: Orphanet 2407, MedGen C1328355, MONDO:0009513, OMIM 245660.

Allele frequency attached by ClinVar (database versions not stated): TOPMed 0.00002; ExAC 0.00003; gnomAD exomes 0.00003 and 0.00004; ESP Exome Variant Server 0.00008; gnomAD 0.00008 and 0.00009.
gnomAD v4.1: 55 of 1,613,866 alleles (0.0034%); highest among the groups gnomAD compares: Middle Eastern, 0.016%; no homozygotes.

Submissions (4):

Ambry Genetics
Classification: Uncertain significance for Inborn genetic diseases. Last evaluated: 2025-04-11. Review status: criteria provided, single submitter. Criteria: Ambry Variant Classification Scheme 2023. Collection method: clinical testing. Allele origin: germline.

Labcorp Genetics (formerly Invitae), Labcorp
Classification: Uncertain significance. Last evaluated: 2024-05-30. Review status: criteria provided, single submitter. Criteria: Invitae Variant Classification Sherloc (09022015). Collection method: clinical testing. Allele origin: germline.
Comment: This sequence change replaces valine, which is neutral and non-polar, with alanine, which is neutral and non-polar, at codon 1706 of the LAMA3 protein (p.Val1706Ala). This variant is present in population databases (rs371453979, gnomAD 0.02%). This variant has not been reported in the literature in individuals affected with LAMA3-related conditions. ClinVar contains an entry for this variant (Variation ID: 889669). An algorithm developed to predict the effect of missense changes on protein structure and function (PolyPhen-2) suggests that this variant is likely to be disruptive. In summary, the available evidence is currently insufficient to determine the role of this variant in disease. Therefore, it has been classified as a Variant of Uncertain Significance.

Illumina Laboratory Services, Illumina
Classification: Uncertain significance for Laryngo-onycho-cutaneous syndrome. Last evaluated: 2018-01-12. Review status: criteria provided, single submitter. Criteria: ICSL Variant Classification Criteria 13 December 2019. Collection method: clinical testing. Allele origin: germline.

Illumina Laboratory Services, Illumina
Classification: Uncertain significance for Junctional epidermolysis bullosa gravis of Herlitz. Last evaluated: 2018-01-12. Review status: criteria provided, single submitter. Criteria: ICSL Variant Classification Criteria 13 December 2019. Collection method: clinical testing. Allele origin: germline.

NM_198129.4(LAMA3):c.9944T>C (p.Val3315Ala)

Gene: LAMA3 (laminin subunit alpha 3; plus strand). Cytogenetic location: 18q11.2.
Variant type: single nucleotide variant.
Coding change: c.9944T>C on transcript NM_198129.4 (MANE Select); coding-DNA position 9944, T replaced by C.
Protein change: p.Val3315Ala; replaces valine 3315 with alanine.
Molecular consequence: missense variant.
Genome position (GRCh38, 1-based): chr18:23,954,590, T>C. VCF-style: chr18-23954590-T-C. GRCh37 (hg19) VCF-style: chr18-21534554-T-C.
Other names: c.5117T>C, p.Val1706Ala (NM_000227.6); c.9776T>C, p.Val3259Ala (NM_001127717.4); c.4949T>C, p.Val1650Ala (NM_001127718.4); short protein forms V3259A, V3315A, V1650A, V1706A.
Identifiers: ClinVar variation 889669 (VCV000889669.7), dbSNP rs371453979, ClinGen allele CA8917359.